The following is an entry in ClinVar:

NM_004984.4(KIF5A):c.2873A>G (p.Tyr958Cys)

Gene: KIF5A (kinesin family member 5A; plus strand). Cytogenetic location: 12q13.3.
Variant type: single nucleotide variant.
Coding change: c.2873A>G on transcript NM_004984.4 (MANE Select); coding-DNA position 2873, A replaced by G.
Protein change: p.Tyr958Cys; replaces tyrosine 958 with cysteine.
Molecular consequence: missense variant.
Genome position (GRCh38, 1-based): chr12:57,581,532, A>G. VCF-style: chr12-57581532-A-G. GRCh37 (hg19) VCF-style: chr12-57975315-A-G.
Other names: c.2606A>G, p.Tyr869Cys (NM_001354705.2); short protein forms Y869C, Y958C.
Identifiers: ClinVar variation 4776225 (VCV004776225.1).
Genomic context (GRCh38, chr12:57,581,532, plus strand): 5'-CCCGGAGCCCTGAGTGCATCAGTTACACCAACAGCCTCTTCCAGAACTACCAGAATCTCT[A>G]CCTGCAGGCCACACCCAGCTCCACCTCAGATATGTAGTGAGTGACCACACGTGTGGGTTG-3'
Protein context (NP_004975.2, residues 948-968): NSLFQNYQNL[Tyr958Cys]LQATPSSTSD

ClinVar aggregate classification (germline): Uncertain significance (1 of 4 stars; one submission).

Conditions:
Spastic paraplegia. Identifiers: MedGen C0037772, HP:0001258.

gnomAD v4.1: 3 of 1,614,052 alleles (0.00019%); highest among the groups gnomAD compares: Non-Finnish European, 0.00025%; no homozygotes.

Submission:

Labcorp Genetics (formerly Invitae), Labcorp
Classification: Uncertain significance for Spastic paraplegia. Last evaluated: 2025-12-19. Review status: criteria provided, single submitter. Criteria: Invitae Variant Classification Sherloc (09022015). Collection method: clinical testing. Allele origin: germline.
Comment: This sequence change replaces tyrosine, which is neutral and polar, with cysteine, which is neutral and slightly polar, at codon 958 of the KIF5A protein (p.Tyr958Cys). This variant is not present in population databases (gnomAD no frequency). This variant has not been reported in the literature in individuals affected with KIF5A-related conditions. Invitae Evidence Modeling of protein sequence and biophysical properties (such as structural, functional, and spatial information, amino acid conservation, physicochemical variation, residue mobility, and thermodynamic stability) indicates that this missense variant is not expected to disrupt KIF5A protein function with a negative predictive value of 95%. In summary, the available evidence is currently insufficient to determine the role of this variant in disease. Therefore, it has been classified as a Variant of Uncertain Significance.